The following is an entry in ClinVar:

NM_025074.7(FRAS1):c.688-5T>G

Gene: FRAS1 (Fraser extracellular matrix complex subunit 1; plus strand). Cytogenetic location: 4q21.21.
Variant type: single nucleotide variant.
Coding change: c.688-5T>G on transcript NM_025074.7 (MANE Select); 5 bases into the intron before coding-DNA position 688, T replaced by G.
Molecular consequence: intron variant.
Genome position (GRCh38, 1-based): chr4:78,266,829, T>G. VCF-style: chr4-78266829-T-G. GRCh37 (hg19) VCF-style: chr4-79187983-T-G.
Other names: c.688-5T>G (NM_001166133.2).
Identifiers: ClinVar variation 916644 (VCV000916644.2), dbSNP rs775548230, ClinGen allele CA1139658524.
Genomic context (GRCh38, chr4:78,266,829, plus strand): 5'-CAGTGCTTCTATTTGATGTATGGGACATTTGATTTTCCATGTTCTTCTTTCCTGTCTTCA[T>G]GCAGCATGGTGAGCAGTGGAGCGAAAATGCCTGCACCACGTGTATATGTGACCGGGGTGA-3'

ClinVar aggregate classification (germline): Pathogenic. Review status: criteria provided, multiple submitters, no conflicts (2 of 4 stars). 2 submissions from 2 submitters: Pathogenic (2). Last evaluated 2022-05-25.

Conditions:
Multiple congenital anomalies/dysmorphic syndrome-intellectual disability. Identifiers: Orphanet 102283, MedGen C5680372, MONDO:0015159.
Fraser syndrome 1 (FRASRS1). Also called: CRYPTOPHTHALMOS WITH OTHER MALFORMATIONS. Identifiers: Orphanet 2052, MedGen C4551480, MONDO:0054737, OMIM 219000.

Submissions (2):

AURAGEN, Plan France Médecine Génomique
Classification: Pathogenic for Multiple congenital anomalies/dysmorphic syndrome-intellectual disability. Last evaluated: 2022-05-25. Review status: criteria provided, single submitter. Criteria: PFMG2025 (Lancet Reg Health Eur. 2025). Collection method: clinical testing. Allele origin: germline. Affected: yes.

Service de Biochimie Médicale et Biologie Moléculaire, CHU Clermont-Ferrand
Classification: Pathogenic for Fraser syndrome 1. Last evaluated: 2018-09-14. Review status: criteria provided, single submitter. Criteria: ACMG Guidelines, 2015. Collection method: clinical testing. Allele origin: inherited. Inheritance: Autosomal recessive inheritance. Affected: yes.
Comment: This variant in homozygous state or compound heterozygous state induced Fraser syndrome phenotype

In vitro study with minigen: alternative transcript with the 4 additional bases causing a frameshift mutation